The following is an entry in ClinVar:

NM_014714.4(IFT140):c.3453+5G>A

Gene: IFT140 (intraflagellar transport 140; minus strand). Cytogenetic location: 16p13.3.
Variant type: single nucleotide variant.
Coding change: c.3453+5G>A on transcript NM_014714.4 (MANE Select); 5 bases into the intron after coding-DNA position 3453, G replaced by A.
Molecular consequence: intron variant.
Genome position (GRCh38, 1-based): chr16:1,523,513, C>T on the plus strand (G>A on the coding strand, the complement: IFT140 is on the minus strand). VCF-style: chr16-1523513-C-T. GRCh37 (hg19) VCF-style: chr16-1573514-C-T.
Identifiers: ClinVar variation 2066857 (VCV002066857.5), dbSNP rs753487822, ClinGen allele CA7813172.

ClinVar aggregate classification (germline): Uncertain significance. Review status: criteria provided, multiple submitters, no conflicts (2 of 4 stars). 2 submissions from 2 submitters: Uncertain significance (2). Last evaluated 2025-11-04.

Conditions:
Saldino-Mainzer syndrome (SRTD9). Also called: CONORENAL SYNDROME; Renal dysplasia, retinal pigmentary dystrophy, cerebellar ataxia and skeletal dysplasia; SHORT-RIB THORACIC DYSPLASIA 9 WITHOUT POLYDACTYLY; short-rib thoracic dysplasia 9 with or without polydactyly. Identifiers: Orphanet 140969, MedGen C1849437, MONDO:0009964, OMIM 266920.

Allele frequency attached by ClinVar (database versions not stated): ExAC 0.00002; TOPMed 0.00002.
gnomAD v4.1: 43 of 1,608,500 alleles (0.0027%); highest among the groups gnomAD compares: Non-Finnish European, 0.0034%; no homozygotes.

Submissions (3):

Labcorp Genetics (formerly Invitae), Labcorp
Classification: Uncertain significance for Saldino-Mainzer syndrome. Last evaluated: 2025-11-04. Review status: criteria provided, single submitter. Criteria: Invitae Variant Classification Sherloc (09022015). Collection method: clinical testing. Allele origin: germline.
Comment: This sequence change falls in intron 26 of the IFT140 gene. It does not directly change the encoded amino acid sequence of the IFT140 protein. It affects a nucleotide within the consensus splice site. The frequency data for this variant in the population databases is considered unreliable, as metrics indicate poor data quality at this position in the gnomAD database. This variant has not been reported in the literature in individuals affected with IFT140-related conditions. ClinVar contains an entry for this variant (Variation ID: 2066857). Variants that disrupt the consensus splice site are a relatively common cause of aberrant splicing (PMID: 17576681, 9536098). Algorithms developed to predict the effect of sequence changes on RNA splicing suggest that this variant is not likely to affect RNA splicing. In summary, the available evidence is currently insufficient to determine the role of this variant in disease. Therefore, it has been classified as a Variant of Uncertain Significance.

Women's Health and Genetics/Laboratory Corporation of America, LabCorp
Classification: Uncertain significance. Last evaluated: 2024-07-28. Review status: criteria provided, single submitter. Criteria: LabCorp Variant Classification Summary - May 2015. Collection method: clinical testing. Allele origin: germline.

Dr. Peter K. Rogan Lab, Western University
No classification provided (evidence only). Condition: Acute myeloid leukemia. Review status: no classification provided. Collection method: in vitro. Allele origin: not applicable. Functional consequence: retained intron. Not counted in ClinVar's aggregate classification.

Literature cited by the submitters: PubMed 17576681 (cited by Labcorp Genetics (formerly Invitae), Labcorp); PubMed 9536098 (cited by Labcorp Genetics (formerly Invitae), Labcorp).